The following is an entry in ClinVar:

NM_015158.5(KANK1):c.1011G>A (p.Arg337=)

Gene: KANK1 (KN motif and ankyrin repeat domains 1; plus strand). Cytogenetic location: 9p24.3.
Variant type: single nucleotide variant.
Coding change: c.1011G>A on transcript NM_015158.5 (MANE Select); coding-DNA position 1011, G replaced by A.
Protein change: p.Arg337=; no amino-acid change (arginine 337 retained).
Molecular consequence: synonymous variant. On other transcripts: non-coding transcript variant (1).
Genome position (GRCh38, 1-based): chr9:711,777, G>A. VCF-style: chr9-711777-G-A. GRCh37 (hg19) VCF-style: chr9-711777-G-A.
Other names: c.1011G>A, p.Arg337= (NM_001256876.3, NM_001256877.3, NM_001354331.2 and 2 more transcripts); c.537G>A, p.Arg179= (NM_001354333.2, NM_001354335.2, NM_001354336.2 and 9 more transcripts).
Identifiers: ClinVar variation 744725 (VCV000744725.33), dbSNP rs142210244, ClinGen allele CA4960098.
Genomic context (GRCh38, chr9:711,777, plus strand): 5'-TGGTGTGAGGAAGCGGTCCTATAGTGCGGGGAACGCCTCCCAGCTGGAACAGCTCTCCCG[G>A]GCCCGAAGAAGTGGCGGGGAATTATACATTGACTATGAGGAGGAAGAAATGGAGACCGTA-3'
Protein context (NP_055973.2, residues 327-347): GNASQLEQLS[Arg337=]ARRSGGELYI

ClinVar aggregate classification (germline): Likely benign. Review status: criteria provided, multiple submitters, no conflicts (2 of 4 stars). 3 submissions from 3 submitters: Likely benign (3). Last evaluated 2023-03-19.

Conditions:
Cerebral palsy, spastic quadriplegic, 2 (CPSQ2). Identifiers: Orphanet 210141, MedGen C2752061, MONDO:0013033, OMIM 612900.

Allele frequency attached by ClinVar (database versions not stated): gnomAD 0.00005 and 0.00007; TOPMed 0.00008; ExAC 0.00013; ESP Exome Variant Server 0.00023.
gnomAD v4.1: 130 of 1,614,090 alleles (0.0081%); highest among the groups gnomAD compares: Middle Eastern, 0.2%; no homozygotes.

Submissions (3):

Labcorp Genetics (formerly Invitae), Labcorp
Classification: Likely benign. Last evaluated: 2023-03-19. Review status: criteria provided, single submitter. Criteria: Invitae Variant Classification Sherloc (09022015). Collection method: clinical testing. Allele origin: germline.

CeGaT Center for Human Genetics Tuebingen
Classification: Likely benign. Last evaluated: 2022-09-01. Review status: criteria provided, single submitter. Criteria: CeGaT Center For Human Genetics Tuebingen Variant Classification Criteria Version 2. Collection method: clinical testing. Allele origin: germline. Affected: yes. Observed: 1 variant allele.
Comment: KANK1: BP4, BP7

Fulgent Genetics
Classification: Likely benign for Cerebral palsy, spastic quadriplegic, 2. Last evaluated: 2021-10-21. Review status: criteria provided, single submitter. Criteria: ACMG Guidelines, 2015. Collection method: clinical testing. Allele origin: unknown.